The following is an entry in ClinVar:

ClinVar aggregate classification (germline): Uncertain significance (1 of 4 stars; one submission).

Conditions:
Congenital myotonia, autosomal dominant form (THD). Also called: THOMSEN DISEASE; Myotonia congenita autosomal dominant. Identifiers: Orphanet 614, MedGen C2936781, MONDO:0008055, OMIM 160800.
Congenital myotonia, autosomal recessive form. Also called: BECKER DISEASE; Becker Generalized Myotonia; myotonia congenita, autosomal recessive. Identifiers: Orphanet 614, MedGen C0751360, MONDO:0009715, OMIM 255700.

gnomAD v4.1: 10 of 1,613,406 alleles (0.00062%); highest among the groups gnomAD compares: Admixed American, 0.0017%; no homozygotes.

Submission:

Labcorp Genetics (formerly Invitae), Labcorp
Classification: Uncertain significance for Congenital myotonia, autosomal recessive form; Congenital myotonia, autosomal dominant form. Last evaluated: 2025-05-19. Review status: criteria provided, single submitter. Criteria: Invitae Variant Classification Sherloc (09022015). Collection method: clinical testing. Allele origin: germline.
Comment: This sequence change replaces arginine, which is basic and polar, with cysteine, which is neutral and slightly polar, at codon 9 of the CLCN1 protein (p.Arg9Cys). This variant is present in population databases (rs745344072, gnomAD 0.003%). This variant has not been reported in the literature in individuals affected with CLCN1-related conditions. Invitae Evidence Modeling of protein sequence and biophysical properties (such as structural, functional, and spatial information, amino acid conservation, physicochemical variation, residue mobility, and thermodynamic stability) has been performed for this missense variant. However, the output from this modeling did not meet the statistical confidence thresholds required to predict the impact of this variant on CLCN1 protein function. In summary, the available evidence is currently insufficient to determine the role of this variant in disease. Therefore, it has been classified as a Variant of Uncertain Significance.

NM_000083.3(CLCN1):c.25C>T (p.Arg9Cys)

Gene: CLCN1 (chloride voltage-gated channel 1; plus strand). Cytogenetic location: 7q34.
Variant type: single nucleotide variant.
Coding change: c.25C>T on transcript NM_000083.3 (MANE Select); coding-DNA position 25, C replaced by T.
Protein change: p.Arg9Cys; replaces arginine 9 with cysteine.
Molecular consequence: missense variant. On other transcripts: non-coding transcript variant (1).
Genome position (GRCh38, 1-based): chr7:143,316,237, C>T. VCF-style: chr7-143316237-C-T. GRCh37 (hg19) VCF-style: chr7-143013330-C-T.
Other names: short protein forms R9C.
Identifiers: ClinVar variation 4782315 (VCV004782315.1).